The following is an entry in ClinVar:

NM_003107.3(SOX4):c.280G>A (p.Gly94Ser)

Gene: SOX4 (SRY-box transcription factor 4; plus strand). Cytogenetic location: 6p22.3.
Variant type: single nucleotide variant.
Coding change: c.280G>A on transcript NM_003107.3 (MANE Select); coding-DNA position 280, G replaced by A.
Protein change: p.Gly94Ser; replaces glycine 94 with serine.
Molecular consequence: missense variant.
Genome position (GRCh38, 1-based): chr6:21,594,814, G>A. VCF-style: chr6-21594814-G-A. GRCh37 (hg19) VCF-style: chr6-21595045-G-A.
Other names: short protein forms G94S.
Identifiers: ClinVar variation 3391688 (VCV003391688.1).

ClinVar aggregate classification (germline): Likely pathogenic (1 of 4 stars; one submission).

Submission:

GeneDx
Classification: Likely pathogenic. Last evaluated: 2024-06-18. Review status: criteria provided, single submitter. Criteria: GeneDx Variant Classification Process June 2021. Collection method: clinical testing. Allele origin: germline. Affected: yes.
Comment: Not observed at significant frequency in large population cohorts (gnomAD); In silico analysis supports that this missense variant has a deleterious effect on protein structure/function; Has not been previously published as pathogenic or benign to our knowledge